The following is an entry in ClinVar:

ClinVar aggregate classification (germline): Pathogenic (1 of 4 stars; one submission).

Conditions:
Developmental and epileptic encephalopathy, 2 (DEE2). Also called: INFANTILE SPASM SYNDROME, X-LINKED 2; CDKL5 deficiency disorder. Identifiers: Orphanet 1934, Orphanet 3451, Orphanet 505652, MedGen C4750718, MONDO:0010396, OMIM 300672.
Angelman syndrome-like. Identifiers: MedGen CN128785.

Submission:

Labcorp Genetics (formerly Invitae), Labcorp
Classification: Pathogenic for Developmental and epileptic encephalopathy, 2; Angelman syndrome-like. Last evaluated: 2023-12-13. Review status: criteria provided, single submitter. Criteria: Invitae Variant Classification Sherloc (09022015). Collection method: clinical testing. Allele origin: germline.
Comment: This sequence change creates a premature translational stop signal (p.Gly430Argfs*33) in the CDKL5 gene. It is expected to result in an absent or disrupted protein product. Loss-of-function variants in CDKL5 are known to be pathogenic (PMID: 22872100). This variant is not present in population databases (gnomAD no frequency). This variant has not been reported in the literature in individuals affected with CDKL5-related conditions. For these reasons, this variant has been classified as Pathogenic.

Literature cited by the submitters: PubMed 22872100.

NM_001323289.2(CDKL5):c.1287dup (p.Gly430fs)

Gene: CDKL5 (cyclin dependent kinase like 5; plus strand). Cytogenetic location: Xp22.13.
Variant type: Duplication.
Coding change: c.1287dup on transcript NM_001323289.2 (MANE Select); coding-DNA position 1287, one base duplicated (A; older notation c.1287dupA).
Protein change: p.Gly430fs; shifts the reading frame from glycine 430.
Molecular consequence: frameshift variant.
Genome position (GRCh38, 1-based): chrX:18,604,211, A duplicated. VCF-style (leftmost placement, unchanged base first): chrX-18604210-C-CA. GRCh37 (hg19) VCF-style: chrX-18622330-C-CA.
Other names: c.1287dup, p.Gly430fs (NM_001037343.2, NM_003159.3); short protein forms G430fs.
Identifiers: ClinVar variation 2921376 (VCV002921376.3), dbSNP rs2518874058, ClinGen allele CA2740092028.